The following is an entry in ClinVar:

NM_006493.4(CLN5):c.924_925del (p.Leu309fs)

Gene: CLN5 (CLN5 lysosomal BMP synthase; plus strand). Cytogenetic location: 13q22.3.
Variant type: Microsatellite.
Coding change: c.924_925del on transcript NM_006493.4 (MANE Select); coding-DNA positions 924 to 925, 2 bases deleted (CT; older notation c.924_925delCT).
Protein change: p.Leu309fs; shifts the reading frame from leucine 309.
Molecular consequence: frameshift variant. On other transcripts: 3 prime UTR variant (1).
Genome position (GRCh38, 1-based): chr13:77,000,816-77,000,817, CT deleted; deleting any 2 consecutive bases within chr13:77,000,813-77,000,817 gives the same sequence; the c. name uses the placement nearest the transcript's 3' end. VCF-style (leftmost placement, unchanged base first): chr13-77000812-GTC-G. GRCh37 (hg19) VCF-style: chr13-77574947-GTC-G.
Other names: c.*371CT[1] (NM_001366624.2); short protein forms L309fs.
Identifiers: ClinVar variation 56526 (VCV000056526.17), dbSNP rs386833964, ClinGen allele CA263876.
Genomic context (GRCh38, chr13:77,000,812, plus strand): 5'-CCATAAAAAGATTTTATTACCCCTTCAAACCACATTTGCCAACTAAAGAATTTCTGTTGA[GTC>G]TCTTGCAAATTTTTGATGCAGTGATTGTGCACAAACAGTTCTATTTGTTTTATAATTTTG-3'

ClinVar aggregate classification (germline): Pathogenic/Likely pathogenic. Review status: criteria provided, multiple submitters, no conflicts (2 of 4 stars). 6 submissions from 6 submitters: Pathogenic (4); Likely pathogenic (1). 1 of the submissions does not count toward it. Last evaluated 2023-11-09.

Conditions:
Neuronal ceroid lipofuscinosis. Also called: Neuronal Ceroid Lipofuscinoses. Identifiers: Orphanet 216, Orphanet 79263, MedGen C0027877, MONDO:0016295. Disease mechanism: loss of function.
Neuronal ceroid lipofuscinosis 5 (CLN5). Also called: Neuronal ceroid lipofuscinosis Finnish variant; NEURONAL CEROID LIPOFUSCINOSIS, LATE INFANTILE, FINNISH VARIANT; CLN5-Related Neuronal Ceroid-Lipofuscinosis; CEROID LIPOFUSCINOSIS, NEURONAL, 5, VARIABLE AGE AT ONSET. Identifiers: Orphanet 168491, Orphanet 228360, MedGen C1850442, MONDO:0009745, OMIM 256731.

Submissions (6):

Labcorp Genetics (formerly Invitae), Labcorp
Classification: Pathogenic for Neuronal ceroid lipofuscinosis. Last evaluated: 2023-11-09. Review status: criteria provided, single submitter. Criteria: Invitae Variant Classification Sherloc (09022015). Collection method: clinical testing. Allele origin: germline.
Comment: This sequence change creates a premature translational stop signal (p.Leu358Alafs*4) in the CLN5 gene. While this is not anticipated to result in nonsense mediated decay, it is expected to disrupt the last 50 amino acid(s) of the CLN5 protein. This variant is not present in population databases (gnomAD no frequency). This premature translational stop signal has been observed in individual(s) with neuronal ceroid lipofuscinosis (PMID: 19309691, 20157158, 31105743). In at least one individual the data is consistent with being in trans (on the opposite chromosome) from a pathogenic variant. It has also been observed to segregate with disease in related individuals. ClinVar contains an entry for this variant (Variation ID: 56526). For these reasons, this variant has been classified as Pathogenic.

Baylor Genetics
Classification: Pathogenic for Neuronal ceroid lipofuscinosis 5. Last evaluated: 2023-01-28. Review status: criteria provided, single submitter. Criteria: ACMG Guidelines, 2015. Collection method: clinical testing. Allele origin: unknown.

Genome-Nilou Lab
Classification: Pathogenic for Neuronal ceroid lipofuscinosis 5. Last evaluated: 2021-08-10. Review status: criteria provided, single submitter. Criteria: ACMG Guidelines, 2015. Collection method: clinical testing. Allele origin: germline. Affected: no.

Eurofins Ntd Llc (ga)
Classification: Pathogenic. Last evaluated: 2014-11-08. Review status: criteria provided, single submitter. Criteria: EGL Classification Definitions 2015. Collection method: clinical testing. Allele origin: germline. Observed: 2 variant alleles, 2 heterozygotes.

Juno Genomics, Hangzhou Juno Genomics, Inc
Classification: Likely pathogenic for Neuronal ceroid lipofuscinosis 5. Review status: criteria provided, single submitter. Criteria: ACMG Guidelines, 2015. Collection method: clinical testing. Allele origin: germline.
Comment: Absent from controls (or at extremely low frequency if recessive) in Genome Aggregation Database.;Null variant in a gene where loss of function (LOF) is a known mechanism of disease.;For recessive disorders, detected in trans with a pathogenic variant.;Co-segregation with disease in multiple affected family members.;Patient's phenotype or family history is highly specific for a disease with a single genetic etiology.

Juha Muilu Group; Institute for Molecular Medicine Finland (FIMM)
Classification: Likely pathogenic for Ceroid lipofuscinosis neuronal 5. Review status: no assertion criteria provided. Collection method: not provided. Allele origin: unknown. Not counted in ClinVar's aggregate classification.
Comment: FinDis database variant: This variant was not found or characterized by our laboratory, data were collected from public sources: see reference
ClinVar note: Converted during submission from probable-pathogenic to Likely pathogenic.

Literature cited by the submitters: PubMed 19309691 (cited by Labcorp Genetics (formerly Invitae), Labcorp); PubMed 20157158 (cited by Labcorp Genetics (formerly Invitae), Labcorp and Eurofins Ntd Llc (ga)); PubMed 31105743 (cited by Labcorp Genetics (formerly Invitae), Labcorp).